The following is an entry in ClinVar:

NM_024675.4(PALB2):c.1956C>G (p.Ser652Arg)

Gene: PALB2 (partner and localizer of BRCA2; minus strand). Cytogenetic location: 16p12.2.
Variant type: single nucleotide variant.
Coding change: c.1956C>G on transcript NM_024675.4 (MANE Select); coding-DNA position 1956, C replaced by G.
Protein change: p.Ser652Arg; replaces serine 652 with arginine.
Molecular consequence: missense variant. On other transcripts: intron variant (1).
Genome position (GRCh38, 1-based): chr16:23,630,198, G>C on the plus strand (C>G on the coding strand, the complement: PALB2 is on the minus strand). VCF-style: chr16-23630198-G-C. GRCh37 (hg19) VCF-style: chr16-23641519-G-C.
Other names: c.1896C>G, p.Ser632Arg (NM_001407296.1); c.1956C>G, p.Ser652Arg (NM_001407297.1, NM_001407298.1, NM_001407299.1 and 3 more transcripts); c.1071C>G, p.Ser357Arg (NM_001407304.1, NM_001407305.1, NM_001407306.1 and 5 more transcripts); c.168C>G, p.Ser56Arg (NM_001407312.1, NM_001407313.1); c.49-923C>G (NM_001407314.1); short protein forms S56R, S357R, S632R, S652R.
Identifiers: ClinVar variation 3709923 (VCV003709923.3).

ClinVar aggregate classification (germline): Uncertain significance (1 of 4 stars; one submission).

Conditions:
Familial cancer of breast. Also called: Hereditary breast cancer; BREAST CANCER, FAMILIAL; hereditary breast carcinoma. Identifiers: Orphanet 227535, MedGen C0346153, MONDO:0016419, OMIM 114480. Disease mechanism: loss of function.

Submissions (2):

Labcorp Genetics (formerly Invitae), Labcorp
Classification: Uncertain significance for Familial cancer of breast. Last evaluated: 2024-11-24. Review status: criteria provided, single submitter. Criteria: Invitae Variant Classification Sherloc (09022015). Collection method: clinical testing. Allele origin: germline.
Comment: This sequence change replaces serine, which is neutral and polar, with arginine, which is basic and polar, at codon 652 of the PALB2 protein (p.Ser652Arg). This variant is not present in population databases (gnomAD no frequency). This variant has not been reported in the literature in individuals affected with PALB2-related conditions. Invitae Evidence Modeling of protein sequence and biophysical properties (such as structural, functional, and spatial information, amino acid conservation, physicochemical variation, residue mobility, and thermodynamic stability) indicates that this missense variant is not expected to disrupt PALB2 protein function with a negative predictive value of 80%. In summary, the available evidence is currently insufficient to determine the role of this variant in disease. Therefore, it has been classified as a Variant of Uncertain Significance.

Dr. Peter K. Rogan Lab, Western University
No classification provided (evidence only). Condition: Ovarian serous cystadenocarcinoma. Review status: no classification provided. Collection method: in vitro. Allele origin: not applicable. Functional consequence: retained intron. Not counted in ClinVar's aggregate classification.